The following is an entry in ClinVar:

ClinVar aggregate classification (germline): Pathogenic (1 of 4 stars; one submission).

Submission:

Labcorp Genetics (formerly Invitae), Labcorp
Classification: Pathogenic. Last evaluated: 2025-06-01. Review status: criteria provided, single submitter. Criteria: Invitae Variant Classification Sherloc (09022015). Collection method: clinical testing. Allele origin: germline.
Comment: This sequence change creates a premature translational stop signal (p.Arg1307Glnfs*45) in the SPEG gene. It is expected to result in an absent or disrupted protein product. Loss-of-function variants in SPEG are known to be pathogenic (PMID: 19118250, 25087613). The frequency data for this variant in the population databases is considered unreliable, as metrics indicate poor data quality at this position in the gnomAD database. This variant has not been reported in the literature in individuals affected with SPEG-related conditions. ClinVar contains an entry for this variant (Variation ID: 3671877). For these reasons, this variant has been classified as Pathogenic.

Literature cited by the submitters: PubMed 19118250; PubMed 25087613.

NM_005876.5(SPEG):c.3918dup (p.Arg1307fs)

Gene: SPEG (striated muscle enriched protein kinase; plus strand). Cytogenetic location: 2q35.
Variant type: Duplication.
Coding change: c.3918dup on transcript NM_005876.5 (MANE Select); coding-DNA position 3918, one base duplicated (C; older notation c.3918dupC).
Protein change: p.Arg1307fs; shifts the reading frame from arginine 1307.
Molecular consequence: frameshift variant.
Genome position (GRCh38, 1-based): chr2:219,472,309, C duplicated; the last of 7 consecutive C bases (chr2:219,472,303-219,472,309); duplicating any one gives the same sequence. VCF-style (leftmost placement, unchanged base first): chr2-219472302-A-AC. GRCh37 (hg19) VCF-style: chr2-220337024-A-AC.
Other names: short protein forms R1307fs.
Identifiers: ClinVar variation 3671877 (VCV003671877.2).